The following is an entry in ClinVar:

ClinVar aggregate classification (germline): Uncertain significance. Review status: criteria provided, multiple submitters, no conflicts (2 of 4 stars). 9 submissions from 7 submitters: Uncertain significance (9). Last evaluated 2025-09-03.

Conditions:
Inborn genetic diseases. Identifiers: MedGen C0950123, MeSH D030342.
Amyotrophic lateral sclerosis type 5 (ALS5). Also called: AMYOTROPHIC LATERAL SCLEROSIS 5, JUVENILE. Identifiers: Orphanet 300605, MedGen C1865864, MONDO:0011196, OMIM 602099.
Charcot-Marie-Tooth disease axonal type 2X. Also called: CHARCOT-MARIE-TOOTH DISEASE, AXONAL, AUTOSOMAL RECESSIVE, TYPE 2X; CHARCOT-MARIE-TOOTH NEUROPATHY, TYPE 2X. Identifiers: Orphanet 466775, MedGen C5569024, MONDO:0014726, OMIM 616668.
Hereditary spastic paraplegia 11. Also called: SPASTIC PARAPLEGIA, AUTOSOMAL RECESSIVE, COMPLICATED, WITH THIN CORPUS CALLOSUM; SPASTIC PARAPLEGIA, AUTOSOMAL RECESSIVE, WITH MENTAL IMPAIRMENT AND THIN CORPUS CALLOSUM; Nakamura Osame syndrome; Autosomal recessive hereditary spastic paraplegia, mental impairment, and thin corpus callosum; Spastic paraplegia, mental retardation and thin corpus callosum; Spastic Paraplegia 11. Identifiers: Orphanet 2822, MedGen C1858479, MONDO:0011445, OMIM 604360.
Hereditary spastic paraplegia. Also called: Familial spastic paraparesis. Identifiers: Orphanet 685, MedGen C0037773, MONDO:0019064. Disease mechanism: loss of function.

Allele frequency attached by ClinVar (database versions not stated): gnomAD exomes 0.00003 and 0.00005; ExAC 0.00004; gnomAD 0.00006 and 0.00007; TOPMed 0.00009; 1000 Genomes Project 30x 0.00016; 1000 Genomes Project 0.00020.
gnomAD v4.1: 91 of 1,614,258 alleles (0.0056%); highest among the groups gnomAD compares: Non-Finnish European, 0.007%; no homozygotes.

Submissions (9):

Mayo Clinic Laboratories, Mayo Clinic
Classification: Uncertain significance. Last evaluated: 2025-09-03. Review status: criteria provided, single submitter. Criteria: ACMG Guidelines, 2015. Collection method: clinical testing. Allele origin: germline. Observed: 1 variant allele.
Comment: BP4_strong

Ambry Genetics
Classification: Uncertain significance for Inborn genetic diseases. Last evaluated: 2025-01-14. Review status: criteria provided, single submitter. Criteria: Ambry Variant Classification Scheme 2023. Collection method: clinical testing. Allele origin: germline.

Labcorp Genetics (formerly Invitae), Labcorp
Classification: Uncertain significance for Hereditary spastic paraplegia 11. Last evaluated: 2024-08-31. Review status: criteria provided, single submitter. Criteria: Invitae Variant Classification Sherloc (09022015). Collection method: clinical testing. Allele origin: germline.
Comment: This sequence change replaces methionine, which is neutral and non-polar, with valine, which is neutral and non-polar, at codon 202 of the SPG11 protein (p.Met202Val). This variant is present in population databases (rs201875705, gnomAD 0.008%). This variant has not been reported in the literature in individuals affected with SPG11-related conditions. ClinVar contains an entry for this variant (Variation ID: 316113). Invitae Evidence Modeling of protein sequence and biophysical properties (such as structural, functional, and spatial information, amino acid conservation, physicochemical variation, residue mobility, and thermodynamic stability) indicates that this missense variant is not expected to disrupt SPG11 protein function with a negative predictive value of 80%. In summary, the available evidence is currently insufficient to determine the role of this variant in disease. Therefore, it has been classified as a Variant of Uncertain Significance.

Fulgent Genetics
Classification: Uncertain significance for Amyotrophic lateral sclerosis type 5; Hereditary spastic paraplegia 11; Charcot-Marie-Tooth disease axonal type 2X. Last evaluated: 2018-10-31. Review status: criteria provided, single submitter. Criteria: ACMG Guidelines, 2015. Collection method: clinical testing. Allele origin: unknown.

Illumina Laboratory Services, Illumina
Classification: Uncertain significance for Hereditary spastic paraplegia 11. Last evaluated: 2018-01-12. Review status: criteria provided, single submitter. Criteria: ICSL Variant Classification Criteria 13 December 2019. Collection method: clinical testing. Allele origin: germline.

Genome Diagnostics Laboratory, The Hospital for Sick Children
Classification: Uncertain significance for Hereditary spastic paraplegia. Last evaluated: 2017-12-01. Review status: criteria provided, single submitter. Criteria: ACMG Guidelines, 2015. Collection method: clinical testing. Allele origin: germline. Affected: yes.

Genome-Nilou Lab
Classification: Uncertain significance for Amyotrophic lateral sclerosis type 5. Review status: criteria provided, single submitter. Criteria: ACMG Guidelines, 2015. Collection method: clinical testing. Allele origin: germline.

Genome-Nilou Lab
Classification: Uncertain significance for Charcot-Marie-Tooth disease axonal type 2X. Review status: criteria provided, single submitter. Criteria: ACMG Guidelines, 2015. Collection method: clinical testing. Allele origin: germline.

Genome-Nilou Lab
Classification: Uncertain significance for Hereditary spastic paraplegia 11. Review status: criteria provided, single submitter. Criteria: ACMG Guidelines, 2015. Collection method: clinical testing. Allele origin: germline.

NM_025137.4(SPG11):c.604A>G (p.Met202Val)

Gene: SPG11 (SPG11 vesicle trafficking associated, spatacsin; minus strand). Cytogenetic location: 15q21.1.
Variant type: single nucleotide variant.
Coding change: c.604A>G on transcript NM_025137.4 (MANE Select); coding-DNA position 604, A replaced by G.
Protein change: p.Met202Val; replaces methionine 202 with valine.
Molecular consequence: missense variant.
Genome position (GRCh38, 1-based): chr15:44,659,142, T>C on the plus strand (A>G on the coding strand, the complement: SPG11 is on the minus strand). VCF-style: chr15-44659142-T-C. GRCh37 (hg19) VCF-style: chr15-44951340-T-C.
Other names: p.Met202Val; c.604A>G, p.Met202Val (NM_001160227.2); short protein forms M202V.
Identifiers: ClinVar variation 316113 (VCV000316113.18), dbSNP rs201875705, ClinGen allele CA7535789.